The following is an entry in ClinVar:

NM_015259.6(ICOSLG):c.843C>A (p.Cys281Ter)

Gene: ICOSLG (inducible T cell costimulator ligand; minus strand). Cytogenetic location: 21q22.3.
Variant type: single nucleotide variant.
Coding change: c.843C>A on transcript NM_015259.6 (MANE Select); coding-DNA position 843, C replaced by A.
Protein change: p.Cys281Ter; replaces cysteine 281 with a stop codon.
Molecular consequence: nonsense.
Genome position (GRCh38, 1-based): chr21:44,231,299, G>T on the plus strand (C>A on the coding strand, the complement: ICOSLG is on the minus strand). VCF-style: chr21-44231299-G-T. GRCh37 (hg19) VCF-style: chr21-45651182-G-T.
Other names: c.843C>A, p.Cys281Ter (NM_001283050.2); c.492C>A, p.Cys164Ter (NM_001283051.2); c.588C>A, p.Cys196Ter (NM_001283052.2); c.762C>A, p.Cys254Ter (NM_001365759.2); short protein forms C164*, C254*, C196*, C281*.
Identifiers: ClinVar variation 1496553 (VCV001496553.6), dbSNP rs769671082, ClinGen allele CA321495724.

ClinVar aggregate classification (germline): Uncertain significance (1 of 4 stars; one submission).

Allele frequency attached by ClinVar (database versions not stated): gnomAD exomes 0.00001; ExAC 0.00002.

Submission:

Labcorp Genetics (formerly Invitae), Labcorp
Classification: Uncertain significance. Last evaluated: 2025-08-08. Review status: criteria provided, single submitter. Criteria: Invitae Variant Classification Sherloc (09022015). Collection method: clinical testing. Allele origin: germline.
Comment: This sequence change creates a premature translational stop signal (p.Cys281*) in the ICOSLG gene. It is expected to result in an absent or disrupted protein product. However, the current clinical and genetic evidence is not sufficient to establish whether loss-of-function variants in ICOSLG cause disease. This variant is present in population databases (rs769671082, gnomAD 0.005%). This variant has not been reported in the literature in individuals affected with ICOSLG-related conditions. ClinVar contains an entry for this variant (Variation ID: 1496553). In summary, the available evidence is currently insufficient to determine the role of this variant in disease. Therefore, it has been classified as a Variant of Uncertain Significance.